The following is an entry in ClinVar:

ClinVar aggregate classification (germline): Uncertain significance (1 of 4 stars; one submission).

Submission:

Labcorp Genetics (formerly Invitae), Labcorp
Classification: Uncertain significance. Last evaluated: 2022-04-01. Review status: criteria provided, single submitter. Criteria: Invitae Variant Classification Sherloc (09022015). Collection method: clinical testing. Allele origin: germline.
Comment: In summary, the available evidence is currently insufficient to determine the role of this variant in disease. Therefore, it has been classified as a Variant of Uncertain Significance. Algorithms developed to predict the effect of missense changes on protein structure and function are either unavailable or do not agree on the potential impact of this missense change (SIFT: "Not Available"; PolyPhen-2: "Benign"; Align-GVGD: "Not Available"). This variant has not been reported in the literature in individuals affected with ADAMTS18-related conditions. This variant is not present in population databases (gnomAD no frequency). This sequence change replaces lysine, which is basic and polar, with threonine, which is neutral and polar, at codon 620 of the ADAMTS18 protein (p.Lys620Thr).

NM_199355.4(ADAMTS18):c.1859A>C (p.Lys620Thr)

Gene: ADAMTS18 (ADAM metallopeptidase with thrombospondin type 1 motif 18; minus strand). Cytogenetic location: 16q23.1.
Variant type: single nucleotide variant.
Coding change: c.1859A>C on transcript NM_199355.4 (MANE Select); coding-DNA position 1859, A replaced by C.
Protein change: p.Lys620Thr; replaces lysine 620 with threonine.
Molecular consequence: missense variant.
Genome position (GRCh38, 1-based): chr16:77,335,756, T>G on the plus strand (A>C on the coding strand, the complement: ADAMTS18 is on the minus strand). VCF-style: chr16-77335756-T-G. GRCh37 (hg19) VCF-style: chr16-77369653-T-G.
Other names: c.1343A>C, p.Lys448Thr (NM_001326358.2); short protein forms K448T, K620T.
Identifiers: ClinVar variation 1994450 (VCV001994450.3), dbSNP rs2056298727, ClinGen allele CA396831656.